The following is an entry in ClinVar:

ClinVar aggregate classification (germline): Likely benign (1 of 4 stars; one submission).

Allele frequency attached by ClinVar (database versions not stated): TOPMed 0.00003; gnomAD 0.00004; ExAC 0.00005; gnomAD exomes 0.00006; 1000 Genomes Project 30x 0.00016; 1000 Genomes Project 0.00020.
gnomAD v4.1: 93 of 1,612,640 alleles (0.0058%); highest among the groups gnomAD compares: East Asian, 0.0089%; no homozygotes.

Submission:

CeGaT Center for Human Genetics Tuebingen
Classification: Likely benign. Last evaluated: 2023-03-01. Review status: criteria provided, single submitter. Criteria: CeGaT Center For Human Genetics Tuebingen Variant Classification Criteria Version 2. Collection method: clinical testing. Allele origin: germline. Affected: yes. Observed: 1 variant allele.
Comment: KHSRP: BP4, BP7

NM_001366299.1(KHSRP):c.2037G>A (p.Ala679=)

Gene: KHSRP (KH-type splicing regulatory protein; minus strand). Cytogenetic location: 19p13.3.
Variant type: single nucleotide variant.
Coding change: c.2037G>A on transcript NM_001366299.1 (MANE Select); coding-DNA position 2037, G replaced by A.
Protein change: p.Ala679=; no amino-acid change (alanine 679 retained).
Molecular consequence: synonymous variant.
Genome position (GRCh38, 1-based): chr19:6,415,231, C>T on the plus strand (G>A on the coding strand, the complement: KHSRP is on the minus strand). VCF-style: chr19-6415231-C-T. GRCh37 (hg19) VCF-style: chr19-6415242-C-T.
Other names: c.1962G>A, p.Ala654= (NM_001366300.1); c.2037G>A, p.Ala679= (NM_003685.3).
Identifiers: ClinVar variation 2649133 (VCV002649133.24), dbSNP rs566662273, ClinGen allele CA9124398.